The following is an entry in ClinVar:

ClinVar aggregate classification (germline): Benign/Likely benign. Review status: criteria provided, multiple submitters, no conflicts (2 of 4 stars). 7 submissions from 7 submitters: Benign (4); Likely benign (2). 1 of the submissions does not count toward it. Last evaluated 2026-02-02.

Conditions:
Arrhythmogenic right ventricular dysplasia 9 (ARVD9). Also called: Arrhythmogenic Right Ventricular Dysplasia/Cardiomyopathy 9; ARRHYTHMOGENIC RIGHT VENTRICULAR DYSPLASIA, FAMILIAL, 9. Identifiers: MedGen C1836906, MONDO:0012180, OMIM 609040.

Allele frequency attached by ClinVar (database versions not stated): gnomAD exomes 0.00045; ExAC 0.00055; 1000 Genomes Project 0.00180; 1000 Genomes Project 30x 0.00187; gnomAD 0.00188 and 0.00207; TOPMed 0.00200; ESP Exome Variant Server 0.00238.
gnomAD v4.1: 534 of 1,608,872 alleles (0.033%); highest among the groups gnomAD compares: African/African-American, 0.65%; 3 homozygotes.

Submissions (7):

Labcorp Genetics (formerly Invitae), Labcorp
Classification: Benign for Arrhythmogenic right ventricular dysplasia 9. Last evaluated: 2026-02-02. Review status: criteria provided, single submitter. Criteria: Invitae Variant Classification Sherloc (09022015). Collection method: clinical testing. Allele origin: germline.

ARUP Laboratories, Molecular Genetics and Genomics, ARUP Laboratories
Classification: Benign for Arrhythmogenic right ventricular dysplasia 9. Last evaluated: 2024-12-12. Review status: criteria provided, single submitter. Criteria: ARUP Molecular Germline Variant Investigation Process 2024. Collection method: clinical testing. Allele origin: germline.

Blueprint Genetics
Classification: Likely benign. Last evaluated: 2024-03-07. Review status: criteria provided, single submitter. Criteria: ACMG Guidelines, 2015. Collection method: clinical testing. Allele origin: germline.

Women's Health and Genetics/Laboratory Corporation of America, LabCorp
Classification: Benign. Last evaluated: 2019-12-09. Review status: criteria provided, single submitter. Criteria: LabCorp Variant Classification Summary - May 2015. Collection method: clinical testing. Allele origin: germline.
Comment: Variant summary: PKP2 c.1511-18A>G alters a nucleotide located close to a canonical splice site and therefore could affect mRNA splicing, leading to a significantly altered protein sequence. 5/5 computational tools predict no significant impact on normal splicing. However, these predictions have yet to be confirmed by functional studies. The variant allele was found at a frequency of 0.00045 in 247914 control chromosomes, predominantly at a frequency of 0.0061 within the African or African-American subpopulation in the gnomAD database, including 1 homozygotes. The observed variant frequency within African or African-American control individuals in the gnomAD database is approximately 6-folds over the estimated maximal expected allele frequency for a pathogenic variant in PKP2 causing Cardiomyopathy phenotype (0.0011), strongly suggesting that the variant is a benign polymorphism found primarily in populations of African or African-American origin. To our knowledge, no occurrence of c.1511-18A>G in individuals affected with Cardiomyopathy and no experimental evidence demonstrating its impact on protein function have been reported. A ClinVar submission (evaluation after 2014) cites the variant as likely benign. Based on the evidence outlined above, the variant was classified as benign.

Clinical Genetics DNA and cytogenetics Diagnostics Lab, Erasmus MC, Erasmus Medical Center
Classification: Likely benign for Arrhythmogenic right ventricular dysplasia 9. Last evaluated: 2015-09-21. Review status: criteria provided, single submitter. Criteria: ACGS Guidelines, 2013. Collection method: clinical testing. Allele origin: germline. Affected: yes. Study: VKGL Data-share Consensus.

GeneDx
Classification: Benign. Last evaluated: 2014-05-21. Review status: criteria provided, single submitter. Criteria: GeneDx Variant Classification (06012015). Collection method: clinical testing. Allele origin: germline. Affected: yes.
Comment: This variant is considered likely benign or benign based on one or more of the following criteria: it is a conservative change, it occurs at a poorly conserved position in the protein, it is predicted to be benign by multiple in silico algorithms, and/or has population frequency not consistent with disease.

Clinical Genetics, Academic Medical Center
Classification: Benign. Review status: no assertion criteria provided. Collection method: clinical testing. Allele origin: germline. Affected: yes. Study: VKGL Data-share Consensus. Not counted in ClinVar's aggregate classification.

NM_001005242.3(PKP2):c.1379-18A>G

Gene: PKP2 (plakophilin 2; minus strand). Cytogenetic location: 12p11.21.
Variant type: single nucleotide variant.
Coding change: c.1379-18A>G on transcript NM_001005242.3 (MANE Select); 18 bases into the intron before coding-DNA position 1379, A replaced by G.
Molecular consequence: intron variant.
Genome position (GRCh38, 1-based): chr12:32,841,223, T>C on the plus strand (A>G on the coding strand, the complement: PKP2 is on the minus strand). VCF-style: chr12-32841223-T-C. GRCh37 (hg19) VCF-style: chr12-32994157-T-C.
Other names: IVS6-18A>G; IVS6-18 A>G; c.1511-18A>G (NM_004572.4).
Identifiers: ClinVar variation 138693 (VCV000138693.21), dbSNP rs113698150, ClinGen allele CA011111.